The following is an entry in ClinVar:

ClinVar aggregate classification (germline): Benign/Likely benign. Review status: criteria provided, multiple submitters, no conflicts (2 of 4 stars). 3 submissions from 3 submitters: Benign (1); Likely benign (2). Last evaluated 2026-01-09.

Conditions:
Multiple endocrine neoplasia, type 1 (MEN1). Also called: MEN I; WERMER SYNDROME; Endocrine adenomatosis multiple; MEN 1; MEA I. Identifiers: Orphanet 652, MedGen C0025267, MeSH D018761, MONDO:0007540, OMIM 131100.
Hereditary cancer-predisposing syndrome. Also called: Hereditary neoplastic syndrome; Tumor predisposition; Hereditary Cancer Syndrome; Neoplastic Syndromes, Hereditary. Identifiers: Orphanet 140162, MedGen C0027672, MeSH D009386, MONDO:0015356.

Allele frequency attached by ClinVar (database versions not stated): gnomAD exomes below 0.00001 and 0.00001; TOPMed below 0.00001; ExAC 0.00001; gnomAD 0.00001.
gnomAD v4.1: 15 of 1,613,590 alleles (0.00093%); highest among the groups gnomAD compares: Admixed American, 0.0017%; no homozygotes.

Submissions (3):

Labcorp Genetics (formerly Invitae), Labcorp
Classification: Likely benign for Multiple endocrine neoplasia, type 1. Last evaluated: 2026-01-09. Review status: criteria provided, single submitter. Criteria: Invitae Variant Classification Sherloc (09022015). Collection method: clinical testing. Allele origin: germline.

Myriad Genetics, Inc.
Classification: Benign for Multiple endocrine neoplasia, type 1. Last evaluated: 2024-11-01. Review status: criteria provided, single submitter. Criteria: Myriad Autosomal Dominant, Autosomal Recessive and X-Linked Classification Criteria (2023). Collection method: clinical testing. Allele origin: unknown.
Comment: This variant is considered benign. This variant is a silent/synonymous amino acid change and it is not expected to impact splicing.

Ambry Genetics
Classification: Likely benign for Hereditary cancer-predisposing syndrome. Last evaluated: 2020-06-18. Review status: criteria provided, single submitter. Criteria: Ambry Variant Classification Scheme 2023. Collection method: clinical testing. Allele origin: germline.

NM_001370259.2(MEN1):c.801C>G (p.Leu267=)

Gene: MEN1 (menin 1; minus strand). Cytogenetic location: 11q13.1.
Variant type: single nucleotide variant.
Coding change: c.801C>G on transcript NM_001370259.2 (MANE Select); coding-DNA position 801, C replaced by G.
Protein change: p.Leu267=; no amino-acid change (leucine 267 retained).
Molecular consequence: synonymous variant.
Genome position (GRCh38, 1-based): chr11:64,807,202, G>C on the plus strand (C>G on the coding strand, the complement: MEN1 is on the minus strand). VCF-style: chr11-64807202-G-C. GRCh37 (hg19) VCF-style: chr11-64574674-G-C.
Other names: c.816C>G, p.Leu272= (NM_000244.4, NM_130800.3, NM_130801.3 and 3 more transcripts); c.801C>G, p.Leu267= (NM_001370251.2, NM_001370260.2, NM_001370261.2 and 1 more transcripts); c.696C>G, p.Leu232= (NM_001370262.2, NM_001370263.2).
Identifiers: ClinVar variation 575289 (VCV000575289.13), dbSNP rs760850856, ClinGen allele CA061602.